The following is an entry in ClinVar:

NM_005502.4(ABCA1):c.2879T>C (p.Leu960Pro)

Gene: ABCA1 (ATP binding cassette subfamily A member 1; minus strand). Cytogenetic location: 9q31.1.
Variant type: single nucleotide variant.
Coding change: c.2879T>C on transcript NM_005502.4 (MANE Select); coding-DNA position 2879, T replaced by C.
Protein change: p.Leu960Pro; replaces leucine 960 with proline.
Molecular consequence: missense variant.
Genome position (GRCh38, 1-based): chr9:104,821,456, A>G on the plus strand (T>C on the coding strand, the complement: ABCA1 is on the minus strand). VCF-style: chr9-104821456-A-G. GRCh37 (hg19) VCF-style: chr9-107583737-A-G.
Other names: short protein forms L960P.
Identifiers: ClinVar variation 2788020 (VCV002788020.3), dbSNP rs2538145589, ClinGen allele CA374319980.
Genomic context (GRCh38, chr9:104,821,456, plus strand): 5'-TGGGGACAGACCCCCAGGTTCTGCCGGATGGTGCTCATCTCAGAGCGAATGTCTTTTCCC[A>G]GGATGTAGGCGGTGCCCGAGGTCGGGGGGAACAACCCGGTCAGGATTGACCTGAGGACAA-3'
Protein context (NP_005493.2, residues 950-970): FPPTSGTAYI[Leu960Pro]GKDIRSEMST

ClinVar aggregate classification (germline): Uncertain significance (1 of 4 stars; one submission).

Submission:

Labcorp Genetics (formerly Invitae), Labcorp
Classification: Uncertain significance. Last evaluated: 2024-08-30. Review status: criteria provided, single submitter. Criteria: Invitae Variant Classification Sherloc (09022015). Collection method: clinical testing. Allele origin: germline.
Comment: This sequence change replaces leucine, which is neutral and non-polar, with proline, which is neutral and non-polar, at codon 960 of the ABCA1 protein (p.Leu960Pro). This variant is not present in population databases (gnomAD no frequency). This variant has not been reported in the literature in individuals affected with ABCA1-related conditions. Invitae Evidence Modeling of protein sequence and biophysical properties (such as structural, functional, and spatial information, amino acid conservation, physicochemical variation, residue mobility, and thermodynamic stability) indicates that this missense variant is not expected to disrupt ABCA1 protein function with a negative predictive value of 80%. In summary, the available evidence is currently insufficient to determine the role of this variant in disease. Therefore, it has been classified as a Variant of Uncertain Significance.